The following is an entry in ClinVar:

ClinVar aggregate classification (germline): Uncertain significance. Review status: criteria provided, multiple submitters, no conflicts (2 of 4 stars). 2 submissions from 2 submitters: Uncertain significance (2). Last evaluated 2024-03-14.

Conditions:
Hereditary breast ovarian cancer syndrome. Also called: Hereditary breast and ovarian cancer syndrome (HBOC); Hereditary breast and ovarian cancer syndrome; Breast and ovarian cancer; Hereditary breast and/or ovarian cancer syndrome; Hereditary breast and ovarian cancer; BRCA1- and BRCA2-Associated Hereditary Breast and Ovarian Cancer. Identifiers: Orphanet 145, MedGen C0677776, MeSH D061325, MONDO:0003582. Disease mechanism: loss of function.
Hereditary cancer-predisposing syndrome. Also called: Neoplastic Syndromes, Hereditary; Hereditary Cancer Syndrome; Hereditary neoplastic syndrome; Tumor predisposition. Identifiers: Orphanet 140162, MedGen C0027672, MeSH D009386, MONDO:0015356.

Submissions (2):

Ambry Genetics
Classification: Uncertain significance for Hereditary cancer-predisposing syndrome. Last evaluated: 2024-03-14. Review status: criteria provided, single submitter. Criteria: Ambry Variant Classification Scheme 2023. Collection method: clinical testing. Allele origin: germline.
Comment: The p.D2451H variant (also known as c.7351G>C), located in coding exon 13 of the BRCA2 gene, results from a G to C substitution at nucleotide position 7351. The aspartic acid at codon 2451 is replaced by histidine, an amino acid with similar properties. This amino acid position is conserved. In addition, this alteration is predicted to be tolerated by in silico analysis. Based on the available evidence, the clinical significance of this alteration remains unclear.

Labcorp Genetics (formerly Invitae), Labcorp
Classification: Uncertain significance for Hereditary breast ovarian cancer syndrome. Last evaluated: 2017-03-08. Review status: criteria provided, single submitter. Criteria: Invitae Variant Classification Sherloc (09022015). Collection method: clinical testing. Allele origin: germline.
Comment: This sequence change replaces aspartic acid with histidine at codon 2451 of the BRCA2 protein (p.Asp2451His). The aspartic acid residue is weakly conserved and there is a moderate physicochemical difference between aspartic acid and histidine. This variant is not present in population databases (ExAC no frequency) and has not been reported in the literature in individuals with a BRCA2-related disease. Algorithms developed to predict the effect of missense changes on protein structure and function do not agree on the potential impact of this missense change (SIFT: "Tolerated"; PolyPhen-2: "Probably Damaging"; Align-GVGD: "Class C0"). In summary, this variant is a novel missense change with uncertain impact on protein function. It has been classified as a Variant of Uncertain Significance.

NM_000059.4(BRCA2):c.7351G>C (p.Asp2451His)

Gene: BRCA2 (BRCA2 DNA repair associated; plus strand). Cytogenetic location: 13q13.1.
Variant type: single nucleotide variant.
Coding change: c.7351G>C on transcript NM_000059.4 (MANE Select); coding-DNA position 7351, G replaced by C.
Protein change: p.Asp2451His; replaces aspartic acid 2451 with histidine.
Molecular consequence: missense variant.
Genome position (GRCh38, 1-based): chr13:32,355,204, G>C. VCF-style: chr13-32355204-G-C. GRCh37 (hg19) VCF-style: chr13-32929341-G-C.
Other names: short protein forms D2451H.
Identifiers: ClinVar variation 462435 (VCV000462435.10), dbSNP rs1064794968, ClinGen allele CA387741371.